The following is an entry in ClinVar:

ClinVar aggregate classification (germline): Uncertain significance. Review status: criteria provided, multiple submitters, no conflicts (2 of 4 stars). 3 submissions from 3 submitters: Uncertain significance (3). Last evaluated 2023-11-11.

Conditions:
Hereditary cancer-predisposing syndrome. Also called: Tumor predisposition; Hereditary neoplastic syndrome; Neoplastic Syndromes, Hereditary; Hereditary Cancer Syndrome. Identifiers: Orphanet 140162, MedGen C0027672, MeSH D009386, MONDO:0015356.
Multiple endocrine neoplasia type 4. Also called: MULTIPLE ENDOCRINE NEOPLASIA, TYPE IV. Identifiers: Orphanet 276152, MedGen C1970712, MONDO:0012552, OMIM 610755.

Submissions (3):

Ambry Genetics
Classification: Uncertain significance for Hereditary cancer-predisposing syndrome. Last evaluated: 2023-11-11. Review status: criteria provided, single submitter. Criteria: Ambry Variant Classification Scheme 2023. Collection method: clinical testing. Allele origin: germline.
Comment: The c.238_240delGAG variant (also known as p.E80del) is located in coding exon 1 of the CDKN1B gene. This variant results from an in-frame GAG deletion at nucleotide positions 238 to 240. This results in the in-frame deletion of a glutamic acid at codon 80. This amino acid position is not well conserved in available vertebrate species. In addition, this alteration is predicted to be deleterious by in silico analysis (Choi Y et al. PLoS ONE. 2012; 7(10):e46688). Since supporting evidence is limited at this time, the clinical significance of this alteration remains unclear.

Labcorp Genetics (formerly Invitae), Labcorp
Classification: Uncertain significance for Multiple endocrine neoplasia type 4. Last evaluated: 2023-10-13. Review status: criteria provided, single submitter. Criteria: Invitae Variant Classification Sherloc (09022015). Collection method: clinical testing. Allele origin: germline.
Comment: This variant, c.238_240del, results in the deletion of 1 amino acid(s) of the CDKN1B protein (p.Glu80del), but otherwise preserves the integrity of the reading frame. This variant is not present in population databases (gnomAD no frequency). This variant has not been reported in the literature in individuals affected with CDKN1B-related conditions. ClinVar contains an entry for this variant (Variation ID: 935663). Experimental studies and prediction algorithms are not available or were not evaluated, and the functional significance of this variant is currently unknown. In summary, the available evidence is currently insufficient to determine the role of this variant in disease. Therefore, it has been classified as a Variant of Uncertain Significance.

Sema4
Classification: Uncertain significance for Hereditary cancer-predisposing syndrome. Last evaluated: 2022-02-10. Review status: criteria provided, single submitter. Criteria: Sema4 Curation Guidelines. Collection method: curation. Allele origin: germline.
Comment: The CDKN1B c.238_240delGAG (p.E80del) variant has not been reported in the literature to our knowledge. This variant is not reported in the population database Genome Aggregation Database (PMID: 32461654). This variant has been reported in ClinVar (Variation ID: 935663). This in-frame deletion removes a conserved amino acid residue without altering the integrity of reading frame. Functional studies and prediction algorithms are not available for this deletion, and the functional impact of this variant is unknown. The evidence is insufficient to meet ACMG/AMP criteria for classifying the variant as benign or pathogenic. Thus, the clinical significance of this variant is currently uncertain.

NM_004064.5(CDKN1B):c.238_240del (p.Glu80del)

Gene: CDKN1B (cyclin dependent kinase inhibitor 1B; plus strand). Cytogenetic location: 12p13.1.
Variant type: Deletion.
Coding change: c.238_240del on transcript NM_004064.5 (MANE Select); coding-DNA positions 238 to 240, 3 bases deleted (GAG; older notation c.238_240delGAG).
Protein change: p.Glu80del; deletes glutamic acid 80.
Molecular consequence: inframe deletion.
Genome position (GRCh38, 1-based): chr12:12,718,077-12,718,079, GAG deleted; deleting any 3 consecutive bases within chr12:12,718,076-12,718,079 gives the same sequence; the c. name uses the placement nearest the transcript's 3' end. VCF-style (leftmost placement, unchanged base first): chr12-12718075-TGGA-T. GRCh37 (hg19) VCF-style: chr12-12871009-TGGA-T.
Other names: c.238_240delGAG (NM_004064.3, NM_004064.4); short protein forms E80del.
Identifiers: ClinVar variation 935663 (VCV000935663.10), dbSNP rs1946491901, ClinGen allele CA1139662515.